The following is an entry in ClinVar:

ClinVar aggregate classification (germline): Uncertain significance. Review status: criteria provided, multiple submitters, no conflicts (2 of 4 stars). 2 submissions from 2 submitters: Uncertain significance (2). Last evaluated 2024-07-14.

Conditions:
Inborn genetic diseases. Identifiers: MedGen C0950123, MeSH D030342.
Fanconi anemia (FA). Also called: Fanconi's anemia. Identifiers: Orphanet 84, MedGen C0015625, MeSH D005199, MONDO:0019391.

Allele frequency attached by ClinVar (database versions not stated): gnomAD exomes 0.00005; ExAC 0.00006.
gnomAD v4.1: 24 of 1,614,080 alleles (0.0015%); highest among the groups gnomAD compares: South Asian, 0.019%; no homozygotes.

Submissions (2):

Ambry Genetics
Classification: Uncertain significance for Inborn genetic diseases. Last evaluated: 2024-07-14. Review status: criteria provided, single submitter. Criteria: Ambry Variant Classification Scheme 2023. Collection method: clinical testing. Allele origin: germline.

Labcorp Genetics (formerly Invitae), Labcorp
Classification: Uncertain significance for Fanconi anemia. Last evaluated: 2022-07-19. Review status: criteria provided, single submitter. Criteria: Invitae Variant Classification Sherloc (09022015). Collection method: clinical testing. Allele origin: germline.
Comment: ClinVar contains an entry for this variant (Variation ID: 1051440). In summary, the available evidence is currently insufficient to determine the role of this variant in disease. Therefore, it has been classified as a Variant of Uncertain Significance. Algorithms developed to predict the effect of missense changes on protein structure and function output the following: SIFT: "Tolerated"; PolyPhen-2: "Benign"; Align-GVGD: "Class C0". The cysteine amino acid residue is found in multiple mammalian species, which suggests that this missense change does not adversely affect protein function. This variant has not been reported in the literature in individuals affected with SLX4-related conditions. This variant is present in population databases (rs776932605, gnomAD 0.04%). This sequence change replaces serine, which is neutral and polar, with cysteine, which is neutral and slightly polar, at codon 957 of the SLX4 protein (p.Ser957Cys).

NM_032444.4(SLX4):c.2869A>T (p.Ser957Cys)

Gene: SLX4 (SLX4 structure-specific endonuclease subunit; minus strand). Cytogenetic location: 16p13.3.
Variant type: single nucleotide variant.
Coding change: c.2869A>T on transcript NM_032444.4 (MANE Select); coding-DNA position 2869, A replaced by T.
Protein change: p.Ser957Cys; replaces serine 957 with cysteine.
Molecular consequence: missense variant.
Genome position (GRCh38, 1-based): chr16:3,590,769, T>A on the plus strand (A>T on the coding strand, the complement: SLX4 is on the minus strand). VCF-style: chr16-3590769-T-A. GRCh37 (hg19) VCF-style: chr16-3640770-T-A.
Other names: c.2869A>T (NM_032444.2); short protein forms S957C.
Identifiers: ClinVar variation 1051440 (VCV001051440.10), dbSNP rs776932605, ClinGen allele CA7866048.